The following is an entry in ClinVar:

NM_002691.4(POLD1):c.1254C>G (p.Phe418Leu)

Gene: POLD1 (DNA polymerase delta 1, catalytic subunit; plus strand). Cytogenetic location: 19q13.33.
Variant type: single nucleotide variant.
Coding change: c.1254C>G on transcript NM_002691.4 (MANE Select); coding-DNA position 1254, C replaced by G.
Protein change: p.Phe418Leu; replaces phenylalanine 418 with leucine.
Molecular consequence: missense variant. On other transcripts: non-coding transcript variant (1).
Genome position (GRCh38, 1-based): chr19:50,406,193, C>G. VCF-style: chr19-50406193-C-G. GRCh37 (hg19) VCF-style: chr19-50909450-C-G.
Other names: c.1254C>G, p.Phe418Leu (NM_001256849.1, NM_001308632.1); c.1254C>G (NM_002691.2); short protein forms F418L.
Identifiers: ClinVar variation 971698 (VCV000971698.10), dbSNP rs2038871423, ClinGen allele CA406979723.

ClinVar aggregate classification (germline): Uncertain significance. Review status: criteria provided, multiple submitters, no conflicts (2 of 4 stars). 2 submissions from 2 submitters: Uncertain significance (2). Last evaluated 2025-08-12.

Conditions:
POLD1-related polyposis and colorectal cancer syndrome (CRCS10). Also called: Colorectal cancer 10; COLORECTAL CANCER, SUSCEPTIBILITY TO, ON CHROMOSOME 19q; Colorectal cancer, susceptibility to, 10. Identifiers: Orphanet 220460, MedGen C2675481, MONDO:0012953, OMIM 612591.
Hereditary cancer-predisposing syndrome. Also called: Tumor predisposition; Hereditary Cancer Syndrome; Hereditary neoplastic syndrome; Neoplastic Syndromes, Hereditary. Identifiers: Orphanet 140162, MedGen C0027672, MeSH D009386, MONDO:0015356.

Submissions (2):

Ambry Genetics
Classification: Uncertain significance for Hereditary cancer-predisposing syndrome. Last evaluated: 2025-08-12. Review status: criteria provided, single submitter. Criteria: Ambry Variant Classification Scheme 2023. Collection method: clinical testing. Allele origin: germline.
Comment: The p.F418L variant (also known as c.1254C>G), located in coding exon 10 of the POLD1 gene, results from a C to G substitution at nucleotide position 1254. The phenylalanine at codon 418 is replaced by leucine, an amino acid with highly similar properties. This amino acid position is conserved. In addition, this alteration is predicted to be tolerated by in silico analysis. Based on the available evidence, the clinical significance of this variant remains unclear.

Labcorp Genetics (formerly Invitae), Labcorp
Classification: Uncertain significance for POLD1-related polyposis and colorectal cancer syndrome. Last evaluated: 2019-09-27. Review status: criteria provided, single submitter. Criteria: Invitae Variant Classification Sherloc (09022015). Collection method: clinical testing. Allele origin: germline.
Comment: In summary, the available evidence is currently insufficient to determine the role of this variant in disease. Therefore, it has been classified as a Variant of Uncertain Significance. Algorithms developed to predict the effect of missense changes on protein structure and function are either unavailable or do not agree on the potential impact of this missense change (SIFT: "Tolerated"; PolyPhen-2: "Probably Damaging"; Align-GVGD: "Class C0"). This variant has not been reported in the literature in individuals with POLD1-related conditions. This variant is not present in population databases (ExAC no frequency). This sequence change replaces phenylalanine with leucine at codon 418 of the POLD1 protein (p.Phe418Leu). The phenylalanine residue is highly conserved and there is a small physicochemical difference between phenylalanine and leucine.